The following is an entry in ClinVar:

ClinVar aggregate classification (germline): Likely benign. Review status: criteria provided, multiple submitters, no conflicts (2 of 4 stars). 7 submissions from 7 submitters: Likely benign (5). 2 of the submissions do not count toward it. Last evaluated 2026-01-05.

Conditions:
Desmin-related myofibrillar myopathy (MFM1). Also called: Desminopathy; MYOFIBRILLAR MYOPATHY WITH ARRHYTHMOGENIC RIGHT VENTRICULAR CARDIOMYOPATHY; DESMIN-RELATED MYOPATHY WITH ARRHYTHMOGENIC RIGHT VENTRICULAR CARDIOMYOPATHY; Myofibrillar myopathy 1; Desmin related myopathy (former name); Desmin storage myopathy (former name). Identifiers: Orphanet 363543, Orphanet 98909, MedGen C1832370, MONDO:0011076, OMIM 601419.
Cardiovascular phenotype. Identifiers: MedGen CN230736.

Allele frequency attached by ClinVar (database versions not stated): gnomAD 0.00001; gnomAD exomes 0.00002 and 0.00003; ExAC 0.00004; TOPMed 0.00004.
gnomAD v4.1: 36 of 1,613,918 alleles (0.0022%); highest among the groups gnomAD compares: Middle Eastern, 0.016%; no homozygotes.

Submissions (7):

Labcorp Genetics (formerly Invitae), Labcorp
Classification: Likely benign for Desmin-related myofibrillar myopathy. Last evaluated: 2026-01-05. Review status: criteria provided, single submitter. Criteria: Invitae Variant Classification Sherloc (09022015). Collection method: clinical testing. Allele origin: germline.

Women's Health and Genetics/Laboratory Corporation of America, LabCorp
Classification: Likely benign. Last evaluated: 2023-10-23. Review status: criteria provided, single submitter. Criteria: LabCorp Variant Classification Summary - May 2015. Collection method: clinical testing. Allele origin: germline.

Phosphorus, Inc.
Classification: Likely benign. Last evaluated: 2022-01-14. Review status: criteria provided, single submitter. Criteria: ACMG Guidelines, 2015. Collection method: clinical testing. Allele origin: germline. Inheritance: Autosomal recessive inheritance.
Comment: This synonymous variant has occurred in GnomAD with a total MAF of 0.0033% and with the highest MAF of 0.0063% in the European population. This position is not conserved. In silico splicing algorithm predicted no impact on splicing, but no functional studies were performed to confirm this prediction. This variant NM_001927.4(DES):c.894G>A (p.Ser298=) is present in the ClinVar database (ID: 227283). The variant has not occurred in the literature in association with the disease. Considering that this synonymous variant is predicted no impact on splicing, it has been classified as Likely Benign.

Ambry Genetics
Classification: Likely benign for Cardiovascular phenotype. Last evaluated: 2018-10-25. Review status: criteria provided, single submitter. Criteria: Ambry Variant Classification Scheme 2023. Collection method: clinical testing. Allele origin: germline.

Laboratory for Molecular Medicine, Mass General Brigham Personalized Medicine
Classification: Likely benign. Last evaluated: 2015-06-09. Review status: criteria provided, single submitter. Criteria: LMM Criteria. Collection method: clinical testing. Allele origin: germline. Observed: 1 variant allele.
Comment: p.Ser298Ser in exon 4 of DES: This variant is not expected to have clinical sign ificance because it does not alter an amino acid residue and is not located with in the splice consensus sequence. It has been identified in 4/66372 European (No n-Finnish) chromosomes and in 1/8638 East Asian chromosomes by the Exome Aggrega tion Consortium Sequencing Project.

Clinical Genetics, Academic Medical Center
Classification: Benign. Review status: no assertion criteria provided. Collection method: clinical testing. Allele origin: germline. Affected: yes. Study: VKGL Data-share Consensus. Not counted in ClinVar's aggregate classification.

Diagnostic Laboratory, Department of Genetics, University Medical Center Groningen
Classification: Likely benign. Review status: no assertion criteria provided. Collection method: clinical testing. Allele origin: germline. Affected: yes. Study: VKGL Data-share Consensus. Not counted in ClinVar's aggregate classification.

NM_001927.4(DES):c.894G>A (p.Ser298=)

Gene: DES (desmin; plus strand). Cytogenetic location: 2q35.
Variant type: single nucleotide variant.
Coding change: c.894G>A on transcript NM_001927.4 (MANE Select); coding-DNA position 894, G replaced by A.
Protein change: p.Ser298=; no amino-acid change (serine 298 retained).
Molecular consequence: synonymous variant.
Genome position (GRCh38, 1-based): chr2:219,420,653, G>A. VCF-style: chr2-219420653-G-A. GRCh37 (hg19) VCF-style: chr2-220285375-G-A.
Identifiers: ClinVar variation 227283 (VCV000227283.21), dbSNP rs747073500, ClinGen allele CA2125169.